The following is an entry in ClinVar:

NM_024577.4(SH3TC2):c.805+2T>C

Gene: SH3TC2 (SH3 domain and tetratricopeptide repeats 2; minus strand). Cytogenetic location: 5q32.
Variant type: single nucleotide variant.
Coding change: c.805+2T>C on transcript NM_024577.4 (MANE Select); the canonical splice donor site of the intron after coding-DNA position 805, T replaced by C.
Molecular consequence: splice donor variant.
Genome position (GRCh38, 1-based): chr5:149,040,602, A>G on the plus strand (T>C on the coding strand, the complement: SH3TC2 is on the minus strand). VCF-style: chr5-149040602-A-G. GRCh37 (hg19) VCF-style: chr5-148420165-A-G.
Identifiers: ClinVar variation 872417 (VCV000872417.51), dbSNP rs139052887, ClinGen allele CA128996448.

ClinVar aggregate classification (germline): Pathogenic/Likely pathogenic. Review status: criteria provided, multiple submitters, no conflicts (2 of 4 stars). 4 submissions from 4 submitters: Pathogenic (2); Likely pathogenic (2). Last evaluated 2024-07-16.

Conditions:
Charcot-Marie-Tooth disease type 4C (CMT4C). Also called: CHARCOT-MARIE-TOOTH DISEASE, DEMYELINATING, AUTOSOMAL RECESSIVE, TYPE 4C; CMT 4C; CHARCOT-MARIE-TOOTH DISEASE, DEMYELINATING, TYPE 4C; Charcot-Marie-Tooth Neuropathy Type 4C (CMT4C); SH3TC2-Related Hereditary Motor and Sensory Neuropathy. Identifiers: Orphanet 99949, MedGen C1866636, MONDO:0011113, OMIM 601596.
Charcot-Marie-Tooth disease type 4. Also called: Charcot-Marie-Tooth disease, type IV; Charcot-Marie-Tooth, Type 4. Identifiers: Orphanet 64749, MedGen C4082197, MONDO:0018995.

Allele frequency attached by ClinVar (database versions not stated): gnomAD exomes below 0.00001 and 0.00001; TOPMed below 0.00001; ESP Exome Variant Server 0.00008.
gnomAD v4.1: 8 of 1,613,508 alleles (0.0005%); highest among the groups gnomAD compares: Non-Finnish European, 0.00068%; no homozygotes.

Submissions (4):

Labcorp Genetics (formerly Invitae), Labcorp
Classification: Pathogenic for Charcot-Marie-Tooth disease type 4. Last evaluated: 2024-07-16. Review status: criteria provided, single submitter. Criteria: Invitae Variant Classification Sherloc (09022015). Collection method: clinical testing. Allele origin: germline.
Comment: This sequence change affects a donor splice site in intron 7 of the SH3TC2 gene. It is expected to disrupt RNA splicing. Variants that disrupt the donor or acceptor splice site typically lead to a loss of protein function (PMID: 16199547), and loss-of-function variants in SH3TC2 are known to be pathogenic (PMID: 20220177, 27068304). This variant is present in population databases (rs139052887, gnomAD 0.0009%). Disruption of this splice site has been observed in individuals with Charcot-Marie-Tooth disease (PMID: 27231023). ClinVar contains an entry for this variant (Variation ID: 872417). Algorithms developed to predict the effect of sequence changes on RNA splicing suggest that this variant may disrupt the consensus splice site. For these reasons, this variant has been classified as Pathogenic.

MGZ Medical Genetics Center
Classification: Likely pathogenic for Charcot-Marie-Tooth disease type 4C. Last evaluated: 2021-08-11. Review status: criteria provided, single submitter. Criteria: ACMG Guidelines, 2015. Collection method: clinical testing. Allele origin: germline. Affected: yes. Observed: 1 variant allele.
Comment: ACMG criteria applied: PVS1, PM2_SUP

Institute of Medical Genetics and Applied Genomics, University Hospital Tübingen
Classification: Likely pathogenic. Last evaluated: 2020-10-23. Review status: criteria provided, single submitter. Criteria: ACMG Guidelines, 2015. Collection method: clinical testing. Allele origin: germline. Inheritance: Autosomal unknown. Affected: yes.

CeGaT Center for Human Genetics Tuebingen
Classification: Pathogenic. Last evaluated: 2016-10-01. Review status: criteria provided, single submitter. Criteria: CeGaT Center For Human Genetics Tuebingen Variant Classification Criteria Version 2. Collection method: clinical testing. Allele origin: germline. Affected: yes. Observed: 1 variant allele.

Literature cited by the submitters: PubMed 16199547 (cited by Labcorp Genetics (formerly Invitae), Labcorp); PubMed 20220177 (cited by Labcorp Genetics (formerly Invitae), Labcorp); PubMed 27068304 (cited by Labcorp Genetics (formerly Invitae), Labcorp); PubMed 27231023 (cited by Labcorp Genetics (formerly Invitae), Labcorp).